The following is an entry in ClinVar:

ClinVar aggregate classification (germline): Uncertain significance (1 of 4 stars; one submission).

Conditions:
Sitosterolemia (STSL). Also called: PHYTOSTEROLEMIA. Identifiers: Orphanet 2882, MedGen C0342907, MONDO:0008863.

Submission:

Labcorp Genetics (formerly Invitae), Labcorp
Classification: Uncertain significance for Sitosterolemia. Last evaluated: 2023-07-22. Review status: criteria provided, single submitter. Criteria: Invitae Variant Classification Sherloc (09022015). Collection method: clinical testing. Allele origin: germline.
Comment: This sequence change replaces serine, which is neutral and polar, with arginine, which is basic and polar, at codon 141 of the ABCG5 protein (p.Ser141Arg). This variant is not present in population databases (gnomAD no frequency). This variant has not been reported in the literature in individuals affected with ABCG5-related conditions. An algorithm developed to predict the effect of missense changes on protein structure and function (PolyPhen-2) suggests that this variant is likely to be tolerated. In summary, the available evidence is currently insufficient to determine the role of this variant in disease. Therefore, it has been classified as a Variant of Uncertain Significance.

NM_022436.3(ABCG5):c.421A>C (p.Ser141Arg)

Gene: ABCG5 (ATP binding cassette subfamily G member 5; minus strand). Cytogenetic location: 2p21.
Variant type: single nucleotide variant.
Coding change: c.421A>C on transcript NM_022436.3 (MANE Select); coding-DNA position 421, A replaced by C.
Protein change: p.Ser141Arg; replaces serine 141 with arginine.
Molecular consequence: missense variant.
Genome position (GRCh38, 1-based): chr2:43,831,849, T>G on the plus strand (A>C on the coding strand, the complement: ABCG5 is on the minus strand). VCF-style: chr2-43831849-T-G. GRCh37 (hg19) VCF-style: chr2-44058988-T-G.
Other names: short protein forms S141R.
Identifiers: ClinVar variation 2745841 (VCV002745841.3), dbSNP rs2466091244, ClinGen allele CA346667785.